The following is an entry in ClinVar:

ClinVar aggregate classification (germline): Pathogenic. Review status: criteria provided, multiple submitters, no conflicts (2 of 4 stars). 16 submissions from 16 submitters: Pathogenic (13). 3 of the submissions do not count toward it. Last evaluated 2026-03-05.

Conditions:
Likely inborn error of metabolism.
Inborn genetic diseases. Identifiers: MedGen C0950123, MeSH D030342.
Ornithine carbamoyltransferase deficiency (OTCD). Also called: ORNITHINE TRANSCARBAMYLASE DEFICIENCY, HYPERAMMONEMIA DUE TO; OTC DEFICIENCY; Ornithine Carbamoyltransferase Deficiency Disease; ORNITHINE TRANSCARBAMYLASE DEFICIENCY. Identifiers: Orphanet 664, MedGen C0268542, MONDO:0010703, OMIM 311250.
OTC-related disorder. Also called: OTC-related condition.

gnomAD v4.1: 9 of 1,210,063 alleles (0.00074%); highest among the groups gnomAD compares: Non-Finnish European, 0.001%; no homozygotes.

Submissions (16):

Mendelics
Classification: Pathogenic for Ornithine carbamoyltransferase deficiency. Last evaluated: 2026-03-05. Review status: criteria provided, single submitter. Criteria: ACMG Guidelines, 2015. Collection method: clinical testing. Allele origin: unknown.
Comment: Likely pathogenic/Pathogenic according to ACMG criteria.

NHS Central & South Genomic Laboratory Hub
Classification: Pathogenic for Likely inborn error of metabolism. Last evaluated: 2025-10-21. Review status: criteria provided, single submitter. Criteria: ACMG Guidelines, 2015. Collection method: clinical testing. Allele origin: germline. Affected: yes.

Labcorp Genetics (formerly Invitae), Labcorp
Classification: Pathogenic for Ornithine carbamoyltransferase deficiency. Last evaluated: 2025-08-19. Review status: criteria provided, single submitter. Criteria: Invitae Variant Classification Sherloc (09022015). Collection method: clinical testing. Allele origin: germline.
Comment: This sequence change replaces alanine, which is neutral and non-polar, with threonine, which is neutral and polar, at codon 208 of the OTC protein (p.Ala208Thr). This variant is not present in population databases (gnomAD no frequency). This missense change has been observed in individual(s) with ornithine transcarbamylase deficiency (PMID: 9007316, 9028466, 10799432, 25949836, 26819360). It has also been observed to segregate with disease in related individuals. ClinVar contains an entry for this variant (Variation ID: 97274). Invitae Evidence Modeling of protein sequence and biophysical properties (such as structural, functional, and spatial information, amino acid conservation, physicochemical variation, residue mobility, and thermodynamic stability) indicates that this missense variant is expected to disrupt OTC protein function with a positive predictive value of 95%. For these reasons, this variant has been classified as Pathogenic.

GeneDx
Classification: Pathogenic. Last evaluated: 2025-05-08. Review status: criteria provided, single submitter. Criteria: GeneDx Variant Classification Process June 2021. Collection method: clinical testing. Allele origin: germline. Affected: yes.
Comment: Published functional studies support that this variant is associated with impaired OTC activity (PMID: 37146589); In silico analysis supports that this missense variant has a deleterious effect on protein structure/function; Not observed at significant frequency in large population cohorts (gnomAD); This variant is associated with the following publications: (PMID: 18071043, 34014569, 34014557, 25026867, 26819360, 28261508, 17437397, 9028466, 28597413, 28324312, 33309754, 33272297, 37146589, 9007316)

Department of Molecular Genetics, Istishari Arab Hospital
Classification: Pathogenic for Ornithine carbamoyltransferase deficiency. Last evaluated: 2025-04-26. Review status: criteria provided, single submitter. Criteria: ACMG Guidelines, 2015. Collection method: clinical testing. Allele origin: maternal. Inheritance: X-linked recessive inheritance. Affected: yes. Observed: 1 hemizygote.
Comment: This missense variant in the OTC gene, c.622G>A (p.Ala208Thr), results in the substitution of alanine by threonine at codon 208. The variant is located within a functionally critical region of the OTC protein and affects a conserved residue (PM1). This variant is absent from population databases, including gnomAD, 1000 Genomes, ESP, and our NGS in-house data from ~1300 ancestry-matched controls (PM2). It has been reported in multiple affected individuals and submitted as pathogenic by multiple independent clinical laboratories in ClinVar (Variation ID: 97274) (PP5). A different amino acid substitution at the same codon was found in ornithine transcarbamylase deficiency patients (PM5). Multiple in silico tools support a deleterious effect (PolyPhen-2: probably damaging; SIFT: deleterious; MutationTaster: disease-causing) (PP3), and the gene has a low rate of benign missense variation with known missense pathogenic mechanisms (PP2). Based on ACMG/AMP criteria, this variant is classified as pathogenic, with supporting evidence: PM1, PM2, PM5, PP2, PP3, PP5.

Women's Health and Genetics/Laboratory Corporation of America, LabCorp
Classification: Pathogenic for Ornithine carbamoyltransferase deficiency. Last evaluated: 2024-08-15. Review status: criteria provided, single submitter. Criteria: LabCorp Variant Classification Summary - May 2015. Collection method: clinical testing. Allele origin: germline.
Comment: Variant summary: OTC c.622G>A (p.Ala208Thr) results in a non-conservative amino acid change located in the Aspartate/ornithine carbamoyltransferase, Asp/Orn-binding domain (IPR006131) of the encoded protein sequence. Five of five in-silico tools predict a damaging effect of the variant on protein function. The variant was absent in 183108 control chromosomes. c.622G>A has been reported in the literature in multiple individuals affected with late-onset Ornithine Transcarbamylase Deficiency (e.g. Toquet_2021, van Diggelen_1996, Ausems_1997). These data indicate that the variant is very likely to be associated with disease. The following publications have been ascertained in the context of this evaluation (PMID: 9028466, 34014557, 9007316). ClinVar contains an entry for this variant (Variation ID: 97274). Based on the evidence outlined above, the variant was classified as pathogenic.

Institute of Immunology and Genetics Kaiserslautern
Classification: Pathogenic for Ornithine carbamoyltransferase deficiency. Last evaluated: 2024-08-01. Review status: criteria provided, single submitter. Criteria: ACMG Guidelines, 2015. Collection method: clinical testing. Allele origin: germline. Affected: yes.
Comment: ACMG Criteria: PS4, PM1, PM2_P, PP1, PP3, PP5; Variant was found in hemizygous state

Revvity Omics, Revvity
Classification: Pathogenic for Ornithine carbamoyltransferase deficiency. Last evaluated: 2024-04-02. Review status: criteria provided, single submitter. Criteria: ACMG Guidelines, 2015. Collection method: clinical testing. Allele origin: germline.

Ambry Genetics
Classification: Pathogenic for Inborn genetic diseases. Last evaluated: 2023-11-17. Review status: criteria provided, single submitter. Criteria: Ambry Variant Classification Scheme 2023. Collection method: clinical testing. Allele origin: germline.
Comment: The c.622G>A (p.A208T) alteration is located in exon 6 (coding exon 6) of the OTC gene. This alteration results from a G to A substitution at nucleotide position 622, causing the alanine (A) at amino acid position 208 to be replaced by a threonine (T). This variant was not reported in population-based cohorts in the Genome Aggregation Database (gnomAD). This variant has been reported in multiple individuals with ornithine transcarbamylase deficiency and segregates with disease in multiple families (van Diggelen, 1996; Schultz, 2000; Cavicchi, 2014; Mart&iacute;n-Hern&aacute;ndez, 2014; Gascon-Bayarri, 2015; S&aacute;nchez, 2017; Silvera-Ruiz, 2019; Lu, 2020). This amino acid position is highly conserved in available vertebrate species. This alteration is predicted to be deleterious by in silico analysis. Based on the available evidence, this alteration is classified as pathogenic.

Blueprint Genetics
Classification: Pathogenic for OTC-related disorders. Last evaluated: 2023-07-03. Review status: criteria provided, single submitter. Criteria: ACMG Guidelines, 2015. Collection method: clinical testing. Allele origin: germline. Affected: yes. Observed: 2 variant alleles.

Victorian Clinical Genetics Services, Murdoch Childrens Research Institute
Classification: Pathogenic for Ornithine carbamoyltransferase deficiency. Last evaluated: 2022-06-24. Review status: criteria provided, single submitter. Criteria: ACMG Guidelines, 2015. Collection method: clinical testing. Allele origin: germline. Inheritance: X-linked recessive inheritance.
Comment: Based on the classification scheme VCGS_Germline_v1.3.4, this variant is classified as pathogenic. The following criteria are met: 0102 - Loss of function is a known mechanism of disease in this gene and is associated with ornithine transcarbamylase deficiency (MIM#311250). (I) 0109 - This gene is associated with X-linked recessive disease. (I) 0200 - Variant is predicted to result in a missense amino acid change from alanine to threonine. (I) 0251 - This variant is heterozygous. (I) 0301 - Variant is absent from gnomAD (both v2 and v3). (SP) 0309 - An alternative amino acid change at the same position has been observed in gnomAD (v2) (1 heterozygote, 0 homozygotes). (I) 0501 - Missense variant consistently predicted to be damaging by multiple in silico tools and highly conserved with a minor amino acid change. (SP) 0600 - Variant is located in the annotated Aspartate/ornithine carbamoyltransferase, Asp/Orn binding domain (DECIPHER). (I) 0801 - This variant has strong previous evidence of pathogenicity in unrelated individual and has been reported more than five times as pathogenic in ClinVar. In the literature, this variant is well-reported in patients with ornithine transcarbamylase deficiency and is typically asscoiated with late-onset disease. However, it has also been reported to cause severe disease in childhood (LOVD, PMID: 9007316, 28261508, 34014557). (SP) Legend: (SP) - Supporting pathogenic, (I) - Information, (SB) - Supporting benign

Genome-Nilou Lab
Classification: Pathogenic for Ornithine carbamoyltransferase deficiency. Last evaluated: 2021-11-07. Review status: criteria provided, single submitter. Criteria: ACMG Guidelines, 2015. Collection method: clinical testing. Allele origin: germline. Affected: no.

Baylor Genetics
Classification: Pathogenic for Ornithine carbamoyltransferase deficiency. Last evaluated: 2020-05-07. Review status: criteria provided, single submitter. Criteria: ACMG Guidelines, 2015. Collection method: clinical testing. Allele origin: unknown. Affected: yes.
Comment: This variant was determined to be pathogenic according to ACMG Guidelines, 2015 [PMID:25741868].

Clinical Genetics DNA and cytogenetics Diagnostics Lab, Erasmus MC, Erasmus Medical Center
Classification: Pathogenic. Review status: no assertion criteria provided. Collection method: clinical testing. Allele origin: germline. Affected: yes. Study: VKGL Data-share Consensus. Not counted in ClinVar's aggregate classification.

Clinical Genetics, Academic Medical Center
Classification: Pathogenic. Review status: no assertion criteria provided. Collection method: clinical testing. Allele origin: germline. Affected: yes. Study: VKGL Data-share Consensus. Not counted in ClinVar's aggregate classification.

GenMed Metabolism Lab
Classification: Pathogenic. Review status: no assertion criteria provided. Collection method: not provided. Allele origin: unknown. Not counted in ClinVar's aggregate classification.
Comment: p.Ala208Thr, Late, CpG dinucleotide
ClinVar note: Converted during submission from pathogenic to Pathogenic.

Literature cited by the submitters: PubMed 9007316 (cited by 4 submitters); PubMed 9028466 (cited by Labcorp Genetics (formerly Invitae), Labcorp and Women's Health and Genetics/Laboratory Corporation of America, LabCorp); PubMed 10799432 (cited by Labcorp Genetics (formerly Invitae), Labcorp and Ambry Genetics); PubMed 25949836 (cited by Labcorp Genetics (formerly Invitae), Labcorp and Ambry Genetics); PubMed 26819360 (cited by Labcorp Genetics (formerly Invitae), Labcorp and Ambry Genetics); PubMed 34014557 (cited by Women's Health and Genetics/Laboratory Corporation of America, LabCorp and Victorian Clinical Genetics Services, Murdoch Childrens Research Institute); PubMed 25026867 (cited by Ambry Genetics); PubMed 25433810 (cited by Ambry Genetics); PubMed 28261508 (cited by Ambry Genetics and Victorian Clinical Genetics Services, Murdoch Childrens Research Institute); PubMed 31426867 (cited by Ambry Genetics); PubMed 33272297 (cited by Ambry Genetics).

NM_000531.6(OTC):c.622G>A (p.Ala208Thr)

Gene: OTC (ornithine transcarbamylase; plus strand). Cytogenetic location: Xp11.4.
Variant type: single nucleotide variant.
Coding change: c.622G>A on transcript NM_000531.6 (MANE Select); coding-DNA position 622, G replaced by A.
Protein change: p.Ala208Thr; replaces alanine 208 with threonine.
Molecular consequence: missense variant.
Genome position (GRCh38, 1-based): chrX:38,403,699, G>A. VCF-style: chrX-38403699-G-A. GRCh37 (hg19) VCF-style: chrX-38262952-G-A.
Other names: p.(Ala208Thr); short protein forms A208T.
Identifiers: ClinVar variation 97274 (VCV000097274.33), dbSNP rs72558416, ClinGen allele CA224716.